The following is an entry in ClinVar:

ClinVar aggregate classification (germline): Uncertain significance (1 of 4 stars; one submission).

Conditions:
USP9X-related disorder. Also called: USP9X-related condition.

Submission:

PreventionGenetics, part of Exact Sciences
Classification: Uncertain significance for USP9X-related condition. Last evaluated: 2026-06-15. Review status: criteria provided, single submitter. Criteria: ACMG Guidelines, 2015. Collection method: clinical testing. Allele origin: germline.
Comment: The USP9X c.7459A>G variant is predicted to result in the amino acid substitution p.Ile2487Val. To our knowledge, this variant has not been reported in the literature or in a large population database (gnomAD), indicating this variant is rare. At this time, the clinical significance of this variant is uncertain due to the absence of conclusive functional and genetic evidence.

NM_001039591.3(USP9X):c.7431+28A>G

Gene: USP9X (ubiquitin specific peptidase 9 X-linked; plus strand). Cytogenetic location: Xp11.4.
Variant type: single nucleotide variant.
Coding change: c.7431+28A>G on transcript NM_001039591.3 (MANE Select); 28 bases into the intron after coding-DNA position 7431, A replaced by G.
Molecular consequence: intron variant. On other transcripts: missense variant (2).
Genome position (GRCh38, 1-based): chrX:41,229,807, A>G. VCF-style: chrX-41229807-A-G. GRCh37 (hg19) VCF-style: chrX-41089060-A-G.
Other names: c.7459A>G, p.Ile2487Val (NM_001039590.3); c.7474A>G, p.Ile2492Val (NM_001410748.1); c.7446+28A>G (NM_001410749.1, NM_001437534.1); short protein forms I2487V, I2492V.
Identifiers: ClinVar variation 4983816 (VCV004983816.1).